The following is an entry in ClinVar:

ClinVar aggregate classification (germline): Likely benign (1 of 4 stars; one submission).

Conditions:
Hereditary breast ovarian cancer syndrome. Also called: Hereditary breast and/or ovarian cancer syndrome; BRCA1- and BRCA2-Associated Hereditary Breast and Ovarian Cancer; Hereditary breast and ovarian cancer syndrome; Hereditary breast and ovarian cancer; Hereditary breast and ovarian cancer syndrome (HBOC); Breast and ovarian cancer. Identifiers: Orphanet 145, MedGen C0677776, MeSH D061325, MONDO:0003582. Disease mechanism: loss of function.

Allele frequency attached by ClinVar (database versions not stated): TOPMed below 0.00001.

Submissions (2):

Labcorp Genetics (formerly Invitae), Labcorp
Classification: Likely benign for Hereditary breast ovarian cancer syndrome. Last evaluated: 2020-05-13. Review status: criteria provided, single submitter. Criteria: Invitae Variant Classification Sherloc (09022015). Collection method: clinical testing. Allele origin: germline.

Brotman Baty Institute, University of Washington
No classification provided (evidence only). Condition: Breast-ovarian cancer, familial 1. Review status: no classification provided. Collection method: in vitro. Allele origin: not applicable. Functional consequence: functionally_normal. Not counted in ClinVar's aggregate classification.
ClinVar note: "not provided" was previously submitted as the classification for the variant. However, the classification appeared to be based only on an observation of functional data so it was converted to no classification on 2025-07-30.

NM_007294.4(BRCA1):c.5153-19T>C

Gene: BRCA1 (BRCA1 DNA repair associated; minus strand). Cytogenetic location: 17q21.31.
Variant type: single nucleotide variant.
Coding change: c.5153-19T>C on transcript NM_007294.4 (MANE Select); 19 bases into the intron before coding-DNA position 5153, T replaced by C.
Molecular consequence: intron variant.
Genome position (GRCh38, 1-based): chr17:43,063,392, A>G on the plus strand (T>C on the coding strand, the complement: BRCA1 is on the minus strand). VCF-style: chr17-43063392-A-G. GRCh37 (hg19) VCF-style: chr17-41215409-A-G.
Other names: c.1700-19T>C (NM_001408458.1, NM_001408461.1, NM_001408464.1 and 7 more transcripts); c.4262-19T>C (NM_001407967.1); c.4772-19T>C (NM_001407959.1); c.4886-19T>C (NM_001407931.1, NM_001407932.1, NM_001407928.1 and 4 more transcripts); c.5009-19T>C (NM_001407747.1, NM_001407745.1, NM_001407737.1 and 21 more transcripts); c.4769-19T>C (NM_001407962.1, NM_001407960.1); c.1340-19T>C (NM_001408512.1); c.1463-19T>C (NM_001408510.1); and 72 more.
Identifiers: ClinVar variation 867413 (VCV000867413.12), dbSNP rs1567768861, ClinGen allele CA916080084.